The following is an entry in ClinVar:

ClinVar aggregate classification (germline): Uncertain significance (1 of 4 stars; one submission).

Allele frequency attached by ClinVar (database versions not stated): gnomAD exomes below 0.00001.
gnomAD v4.1: 2 of 1,613,192 alleles (0.00012%); highest among the groups gnomAD compares: Non-Finnish European, 0.000085%; no homozygotes.

Submission:

Mayo Clinic Laboratories, Mayo Clinic
Classification: Uncertain significance. Last evaluated: 2022-03-29. Review status: criteria provided, single submitter. Criteria: ACMG Guidelines, 2015. Collection method: clinical testing. Allele origin: germline. Observed: 1 variant allele.
Comment: BP1, BP4, PM2_supporting

NM_001267550.2(TTN):c.20125C>T (p.Pro6709Ser)

Genes: TTN (titin; minus strand), LOC126806429 (BRD4-independent group 4 enhancer GRCh37_chr2:179591393-179592592; plus strand). Cytogenetic location: 2q31.2.
Variant type: single nucleotide variant.
Coding change: c.20125C>T on transcript NM_001267550.2 (MANE Select); coding-DNA position 20125, C replaced by T.
Protein change: p.Pro6709Ser; replaces proline 6709 with serine.
Molecular consequence: missense variant. On other transcripts: intron variant (3).
Genome position (GRCh38, 1-based): chr2:178,727,240, G>A on the plus strand (C>T on the coding strand, the complement: TTN is on the minus strand). VCF-style: chr2-178727240-G-A. GRCh37 (hg19) VCF-style: chr2-179591967-G-A.
Other names: p.Pro6392Ser; c.19174C>T, p.Pro6392Ser (NM_001256850.1); c.16393C>T, p.Pro5465Ser (NM_133378.4); c.13282+10842C>T (NM_003319.4); c.13858+10842C>T (NM_133437.4); c.13657+10842C>T (NM_133432.3); short protein forms P5465S, P6392S, P6709S.
Identifiers: ClinVar variation 2682787 (VCV002682787.1), dbSNP rs2529775549, ClinGen allele CA349548886.